The following is an entry in ClinVar:

ClinVar aggregate classification (germline): Pathogenic (1 of 4 stars; one submission).

Conditions:
Mucopolysaccharidosis, MPS-III-C (MPS3C). Also called: MPS III C; Mucopolysaccharidosis type IIIC (Sanfilippo C); SANFILIPPO SYNDROME C; MUCOPOLYSACCHARIDOSIS, TYPE IIIC; mucopolysaccharidosis type 3C; MPS IIIC (Sanfilippo Syndrome Type C). Identifiers: Orphanet 581, Orphanet 79271, MedGen C0086649, MONDO:0009657, OMIM 252930.
Retinitis pigmentosa 73 (RP73). Identifiers: Orphanet 791, MedGen C4225287, MONDO:0014687, OMIM 616544.

Submission:

Labcorp Genetics (formerly Invitae), Labcorp
Classification: Pathogenic for Retinitis pigmentosa 73; Mucopolysaccharidosis, MPS-III-C. Last evaluated: 2020-02-04. Review status: criteria provided, single submitter. Criteria: Invitae Variant Classification Sherloc (09022015). Collection method: clinical testing. Allele origin: germline.
Comment: For these reasons, this variant has been classified as Pathogenic. Loss-of-function variants in HGSNAT are known to be pathogenic (PMID: 17033958, 19479962). This variant has been observed in individual(s) with mucopolysaccharidosis type III (PMID: 17397050). This variant is not present in population databases (ExAC no frequency). This sequence change creates a premature translational stop signal (p.Pro228Glyfs*32) in the HGSNAT gene. It is expected to result in an absent or disrupted protein product.

Literature cited by the submitters: PubMed 17033958; PubMed 19479962; PubMed 17397050.

NM_152419.3(HGSNAT):c.682_740del (p.Pro228fs)

Gene: HGSNAT (heparan-alpha-glucosaminide N-acetyltransferase; plus strand). Cytogenetic location: 8p11.21.
Variant type: Deletion.
Coding change: c.682_740del on transcript NM_152419.3 (MANE Select); coding-DNA positions 682 to 740, 59 bases deleted.
Protein change: p.Pro228fs; shifts the reading frame from proline 228.
Molecular consequence: frameshift variant. On other transcripts: 5 prime UTR variant (1).
Genome position (GRCh38, 1-based): chr8:43,170,633-43,170,691, 59 bases deleted. GRCh37 (hg19): chr8:43,025,776-43,025,834.
Other names: c.682_740del, p.Pro228fs (NM_001363227.2, NM_001363228.2); c.-152_-94del (NM_001363229.2); short protein forms P228fs.
Identifiers: ClinVar variation 1075807 (VCV001075807.5), dbSNP rs2130745878, ClinGen allele CA2499219329.